The following is an entry in ClinVar:

ClinVar aggregate classification (germline): Uncertain significance. Review status: criteria provided, multiple submitters, no conflicts (2 of 4 stars). 5 submissions from 5 submitters: Uncertain significance (4). 1 of the submissions does not count toward it. Last evaluated 2026-08-31.

Conditions:
Inborn genetic diseases. Identifiers: MedGen C0950123, MeSH D030342.
Orofaciodigital syndrome type 6 (OFD6). Also called: OROFACIODIGITAL SYNDROME VI; OFDS VI; POLYDACTYLY, CLEFT LIP/PALATE OR LINGUAL LUMP, AND PSYCHOMOTOR RETARDATION; VARADI SYNDROME; VARADI-PAPP SYNDROME; Oral-facial-digital syndrome type 6. Identifiers: Orphanet 2754, MedGen C2745997, MONDO:0010176, OMIM 277170.
Joubert syndrome 17 (JBTS17). Identifiers: Orphanet 475, MedGen C3553264, MONDO:0013824, OMIM 614615.
CPLANE1-related disorder. Also called: CPLANE1-related condition.

Allele frequency attached by ClinVar (database versions not stated): TOPMed 0.00002; ExAC 0.00003; gnomAD exomes 0.00004 and 0.00002; 1000 Genomes Project 0.00060; gnomAD 0.00003; 1000 Genomes Project 30x 0.00047.

Submissions (5):

Ambry Genetics
Classification: Uncertain significance for Inborn genetic diseases. Last evaluated: 2026-08-31. Review status: criteria provided, single submitter. Criteria: Ambry Variant Classification Scheme 2023. Collection method: clinical testing. Allele origin: germline.
Comment: The c.8876A>G (p.Y2959C) alteration is located in exon 48 (coding exon 47) of the C5orf42 gene. This alteration results from a A to G substitution at nucleotide position 8876, causing the tyrosine (Y) at amino acid position 2959 to be replaced by a cysteine (C). Based on data from gnomAD, the G allele has an overall frequency of 0.004% (10/251244) total alleles studied. The highest observed frequency was 0.027% (5/18394) of East Asian alleles. Based on insufficient or conflicting evidence, the clinical significance of this alteration remains unclear.

Victorian Clinical Genetics Services, Murdoch Childrens Research Institute
Classification: Uncertain significance for Joubert syndrome 17. Last evaluated: 2023-07-17. Review status: criteria provided, single submitter. Criteria: ACMG Guidelines, 2015. Collection method: clinical testing. Allele origin: germline. Inheritance: Autosomal recessive inheritance. Affected: yes.
Comment: Based on the classification scheme VCGS_Germline_v1.3.4, this variant is classified as VUS-3A. Following criteria are met: 0102 - Loss of function is a known mechanism of disease in this gene and is associated with Joubert syndrome 17 (MIM#614615) and orofaciodigital syndrome VI (MIM#277170). (I) 0106 - This gene is associated with autosomal recessive disease. (I) 0200 - Variant is predicted to result in a missense amino acid change from tyrosine to cysteine. (I) 0251 - This variant is heterozygous. (I) 0304 - Variant is present in gnomAD (v2) <0.01 for a recessive condition (10 heterozygotes, 0 homozygotes). (SP) 0502 - Missense variant with conflicting in silico predictions and uninformative conservation. (I) 0600 - Variant is located in the annotated Joubert domain (DECIPHER). (I) 0705 - No comparable missense variants have previous evidence for pathogenicity. (I) 0809 - Previous evidence of pathogenicity for this variant is inconclusive. This variant has been classified as a VUS by clinical laboratories in ClinVar. (I) 0905 - No published segregation evidence has been identified for this variant. (I) 1007 - No published functional evidence has been identified for this variant. (I) 1201 - Heterozygous variant detected in trans with a pathogenic heterozygous variant, NM_023073.3(CPLANE1):c.7477C>T; p.(Arg2493*), in a recessive disease. (I) Legend: (SP) - Supporting pathogenic, (I) - Information, (SB) - Supporting benign

Labcorp Genetics (formerly Invitae), Labcorp
Classification: Uncertain significance. Last evaluated: 2022-11-15. Review status: criteria provided, single submitter. Criteria: Invitae Variant Classification Sherloc (09022015). Collection method: clinical testing. Allele origin: germline.
Comment: This variant is present in population databases (rs143453963, gnomAD 0.02%). This sequence change replaces tyrosine, which is neutral and polar, with cysteine, which is neutral and slightly polar, at codon 2959 of the CPLANE1 protein (p.Tyr2959Cys). This variant has not been reported in the literature in individuals affected with CPLANE1-related conditions. ClinVar contains an entry for this variant (Variation ID: 1371913). In summary, the available evidence is currently insufficient to determine the role of this variant in disease. Therefore, it has been classified as a Variant of Uncertain Significance. Advanced modeling of protein sequence and biophysical properties (such as structural, functional, and spatial information, amino acid conservation, physicochemical variation, residue mobility, and thermodynamic stability) performed at Invitae indicates that this missense variant is not expected to disrupt CPLANE1 protein function.

Fulgent Genetics
Classification: Uncertain significance for Orofaciodigital syndrome type 6; Joubert syndrome 17. Last evaluated: 2021-11-18. Review status: criteria provided, single submitter. Criteria: ACMG Guidelines, 2015. Collection method: clinical testing. Allele origin: unknown.

PreventionGenetics, part of Exact Sciences
Classification: Uncertain significance for CPLANE1-related condition. Last evaluated: 2024-07-26. Review status: no assertion criteria provided. Collection method: clinical testing. Allele origin: germline. Not counted in ClinVar's aggregate classification.
Comment: The CPLANE1 c.8876A>G variant is predicted to result in the amino acid substitution p.Tyr2959Cys. To our knowledge, this variant has not been reported in the literature. This variant is reported in 0.027% of alleles in individuals of East Asian descent in gnomAD. At this time, the clinical significance of this variant is uncertain due to the absence of conclusive functional and genetic evidence.

NM_001384732.1(CPLANE1):c.9038A>G (p.Tyr3013Cys)

Gene: CPLANE1 (ciliogenesis and planar polarity effector complex subunit 1; minus strand). Cytogenetic location: 5p13.2.
Variant type: single nucleotide variant.
Coding change: c.9038A>G on transcript NM_001384732.1 (MANE Select); coding-DNA position 9038, A replaced by G.
Protein change: p.Tyr3013Cys; replaces tyrosine 3013 with cysteine.
Molecular consequence: missense variant.
Genome position (GRCh38, 1-based): chr5:37,121,764, T>C on the plus strand (A>G on the coding strand, the complement: CPLANE1 is on the minus strand). VCF-style: chr5-37121764-T-C. GRCh37 (hg19) VCF-style: chr5-37121866-T-C.
Other names: c.8876A>G, p.Tyr2959Cys (NM_023073.4); short protein forms Y2959C, Y3013C.
Identifiers: ClinVar variation 1371913 (VCV001371913.11), dbSNP rs143453963, ClinGen allele CA3237582.